The following is an entry in ClinVar:

NM_020884.7(MYH7B):c.4941G>C (p.Gln1647His)

Gene: MYH7B (myosin heavy chain 7B; plus strand). Cytogenetic location: 20q11.22.
Variant type: single nucleotide variant.
Coding change: c.4941G>C on transcript NM_020884.7 (MANE Select); coding-DNA position 4941, G replaced by C.
Protein change: p.Gln1647His; replaces glutamine 1647 with histidine.
Molecular consequence: missense variant.
Genome position (GRCh38, 1-based): chr20:35,000,452, G>C. VCF-style: chr20-35000452-G-C. GRCh37 (hg19) VCF-style: chr20-33588255-G-C.
Other names: short protein forms Q1647H.
Identifiers: ClinVar variation 4738508 (VCV004738508.1).

ClinVar aggregate classification (germline): Uncertain significance (1 of 4 stars; one submission).

gnomAD v4.1: 7 of 1,601,990 alleles (0.00044%); highest among the groups gnomAD compares: Admixed American, 0.012%; no homozygotes.

Submission:

Labcorp Genetics (formerly Invitae), Labcorp
Classification: Uncertain significance. Last evaluated: 2025-11-28. Review status: criteria provided, single submitter. Criteria: Invitae Variant Classification Sherloc (09022015). Collection method: clinical testing. Allele origin: germline.
Comment: This sequence change replaces glutamine, which is neutral and polar, with histidine, which is basic and polar, at codon 1689 of the MYH7B protein (p.Gln1689His). This variant is present in population databases (rs777247971, gnomAD 0.02%). This variant has not been reported in the literature in individuals affected with MYH7B-related conditions. Invitae Evidence Modeling of protein sequence and biophysical properties (such as structural, functional, and spatial information, amino acid conservation, physicochemical variation, residue mobility, and thermodynamic stability) indicates that this missense variant is not expected to disrupt MYH7B protein function with a negative predictive value of 80%. In summary, the available evidence is currently insufficient to determine the role of this variant in disease. Therefore, it has been classified as a Variant of Uncertain Significance.